The following is an entry in ClinVar:

NM_000091.5(COL4A3):c.2509C>A (p.Pro837Thr)

Genes: COL4A3 (collagen type IV alpha 3 chain; plus strand), MFF-DT (MFF divergent transcript; minus strand). Cytogenetic location: 2q36.3.
Variant type: single nucleotide variant.
Coding change: c.2509C>A on transcript NM_000091.5 (MANE Select); coding-DNA position 2509, C replaced by A.
Protein change: p.Pro837Thr; replaces proline 837 with threonine.
Molecular consequence: missense variant.
Genome position (GRCh38, 1-based): chr2:227,282,385, C>A. VCF-style: chr2-227282385-C-A. GRCh37 (hg19) VCF-style: chr2-228147101-C-A.
Other names: short protein forms P837T.
Identifiers: ClinVar variation 1343773 (VCV001343773.1), dbSNP rs2106163548, ClinGen allele CA350850165.

ClinVar aggregate classification (germline): Uncertain significance (1 of 4 stars; one submission).

Submission:

Women's Health and Genetics/Laboratory Corporation of America, LabCorp
Classification: Uncertain significance. Last evaluated: 2022-02-19. Review status: criteria provided, single submitter. Criteria: LabCorp Variant Classification Summary - May 2015. Collection method: clinical testing. Allele origin: germline.
Comment: Variant summary: COL4A3 c.2509C>A (p.Pro837Thr) results in a non-conservative amino acid change in the encoded protein sequence. Three of five in-silico tools predict a benign effect of the variant on protein function. The variant was absent in 249516 control chromosomes (gnomAD). The available data on variant occurrences in the general population are insufficient to allow any conclusion about variant significance. To our knowledge, no occurrence of c.2509C>A in individuals affected with Alport Syndrome, Autosomal Recessive and no experimental evidence demonstrating its impact on protein function have been reported. No clinical diagnostic laboratories have submitted clinical-significance assessments for this variant to ClinVar after 2014. Based on the evidence outlined above, the variant was classified as uncertain significance.